The following is an entry in ClinVar:

ClinVar aggregate classification (germline): Uncertain significance (1 of 4 stars; one submission).

Submission:

Labcorp Genetics (formerly Invitae), Labcorp
Classification: Uncertain significance. Last evaluated: 2025-04-11. Review status: criteria provided, single submitter. Criteria: Invitae Variant Classification Sherloc (09022015). Collection method: clinical testing. Allele origin: germline.
Comment: This sequence change replaces arginine, which is basic and polar, with glycine, which is neutral and non-polar, at codon 191 of the LEMD3 protein (p.Arg191Gly). This variant is not present in population databases (gnomAD no frequency). This variant has not been reported in the literature in individuals affected with LEMD3-related conditions. Invitae Evidence Modeling of protein sequence and biophysical properties (such as structural, functional, and spatial information, amino acid conservation, physicochemical variation, residue mobility, and thermodynamic stability) indicates that this missense variant is not expected to disrupt LEMD3 protein function with a negative predictive value of 80%. In summary, the available evidence is currently insufficient to determine the role of this variant in disease. Therefore, it has been classified as a Variant of Uncertain Significance.

NM_014319.5(LEMD3):c.571A>G (p.Arg191Gly)

Gene: LEMD3 (LEM domain containing 3; plus strand). Cytogenetic location: 12q14.3.
Variant type: single nucleotide variant.
Coding change: c.571A>G on transcript NM_014319.5 (MANE Select); coding-DNA position 571, A replaced by G.
Protein change: p.Arg191Gly; replaces arginine 191 with glycine.
Molecular consequence: missense variant.
Genome position (GRCh38, 1-based): chr12:65,170,167, A>G. VCF-style: chr12-65170167-A-G. GRCh37 (hg19) VCF-style: chr12-65563947-A-G.
Other names: c.571A>G, p.Arg191Gly (NM_001167614.2); short protein forms R191G.
Identifiers: ClinVar variation 4744935 (VCV004744935.1).